The following is an entry in ClinVar:

NM_138694.4(PKHD1):c.5784G>A (p.Trp1928Ter)

Gene: PKHD1 (PKHD1 ciliary IPT domain containing fibrocystin/polyductin; minus strand). Cytogenetic location: 6p12.2.
Variant type: single nucleotide variant.
Coding change: c.5784G>A on transcript NM_138694.4 (MANE Select); coding-DNA position 5784, G replaced by A.
Protein change: p.Trp1928Ter; replaces tryptophan 1928 with a stop codon.
Molecular consequence: nonsense.
Genome position (GRCh38, 1-based): chr6:51,959,994, C>T on the plus strand (G>A on the coding strand, the complement: PKHD1 is on the minus strand). VCF-style: chr6-51959994-C-T. GRCh37 (hg19) VCF-style: chr6-51824792-C-T.
Other names: c.5784G>A, p.Trp1928Ter (NM_170724.3); short protein forms W1928*.
Identifiers: ClinVar variation 942951 (VCV000942951.8), dbSNP rs1791760028, ClinGen allele CA364421712.

ClinVar aggregate classification (germline): Pathogenic (1 of 4 stars; one submission).

Conditions:
Autosomal recessive polycystic kidney disease (ARPKD). Also called: AR polycystic kidney disease. Identifiers: Orphanet 731, Orphanet 8378, MedGen C0085548, MeSH D017044, MONDO:0009889.

Submission:

Labcorp Genetics (formerly Invitae), Labcorp
Classification: Pathogenic for Autosomal recessive polycystic kidney disease. Last evaluated: 2019-07-01. Review status: criteria provided, single submitter. Criteria: Invitae Variant Classification Sherloc (09022015). Collection method: clinical testing. Allele origin: germline.
Comment: For these reasons, this variant has been classified as Pathogenic. Loss-of-function variants in PKHD1 are known to be pathogenic (PMID: 19940839). This variant has not been reported in the literature in individuals with PKHD1-related conditions. This variant is not present in population databases (ExAC no frequency). This sequence change creates a premature translational stop signal (p.Trp1928*) in the PKHD1 gene. It is expected to result in an absent or disrupted protein product.

Literature cited by the submitters: PubMed 19940839.